The following is an entry in ClinVar:

ClinVar aggregate classification (germline): Uncertain significance (1 of 4 stars; one submission).

Submission:

Labcorp Genetics (formerly Invitae), Labcorp
Classification: Uncertain significance. Last evaluated: 2023-04-22. Review status: criteria provided, single submitter. Criteria: Invitae Variant Classification Sherloc (09022015). Collection method: clinical testing. Allele origin: germline.
Comment: In summary, the available evidence is currently insufficient to determine the role of this variant in disease. Therefore, it has been classified as a Variant of Uncertain Significance. Advanced modeling of protein sequence and biophysical properties (such as structural, functional, and spatial information, amino acid conservation, physicochemical variation, residue mobility, and thermodynamic stability) performed at Invitae indicates that this missense variant is not expected to disrupt CLTC protein function. ClinVar contains an entry for this variant (Variation ID: 1496737). This variant has not been reported in the literature in individuals affected with CLTC-related conditions. This variant is not present in population databases (gnomAD no frequency). This sequence change replaces threonine, which is neutral and polar, with alanine, which is neutral and non-polar, at codon 218 of the CLTC protein (p.Thr218Ala).

NM_004859.4(CLTC):c.640A>G (p.Thr214Ala)

Gene: CLTC (clathrin heavy chain; plus strand). Cytogenetic location: 17q23.1.
Variant type: single nucleotide variant.
Coding change: c.640A>G on transcript NM_004859.4 (MANE Select); coding-DNA position 640, A replaced by G.
Protein change: p.Thr214Ala; replaces threonine 214 with alanine.
Molecular consequence: missense variant.
Genome position (GRCh38, 1-based): chr17:59,648,360, A>G. VCF-style: chr17-59648360-A-G. GRCh37 (hg19) VCF-style: chr17-57725721-A-G.
Other names: c.652A>G, p.Thr218Ala (NM_001288653.2); short protein forms T218A, T214A.
Identifiers: ClinVar variation 1496737 (VCV001496737.8), dbSNP rs2143508232, ClinGen allele CA400421850.
Genomic context (GRCh38, chr17:59,648,360, plus strand): 5'-ATTGAAGGACATGCAGCTAGCTTTGCACAGTTTAAGATGGAAGGAAATGCAGAAGAATCA[A>G]CGTTATTTTGTTTTGCAGTTCGGGGCCAAGCTGGAGGGAAGGTAAGTTTTGGCTTTGGTA-3'
Protein context (NP_004850.1, residues 204-224): FKMEGNAEES[Thr214Ala]LFCFAVRGQA